The following is an entry in ClinVar:

NM_001174147.2(LMX1B):c.536T>C (p.Val179Ala)

Gene: LMX1B (LIM homeobox transcription factor 1 beta; plus strand). Cytogenetic location: 9q33.3.
Variant type: single nucleotide variant.
Coding change: c.536T>C on transcript NM_001174147.2 (MANE Select); coding-DNA position 536, T replaced by C.
Protein change: p.Val179Ala; replaces valine 179 with alanine.
Molecular consequence: missense variant.
Genome position (GRCh38, 1-based): chr9:126,691,045, T>C. VCF-style: chr9-126691045-T-C. GRCh37 (hg19) VCF-style: chr9-129453324-T-C.
Other names: c.536T>C, p.Val179Ala (NM_001174146.2, NM_002316.4); short protein forms V179A.
Identifiers: ClinVar variation 4881540 (VCV004881540.2).
Genomic context (GRCh38, chr9:126,691,045, plus strand): 5'-AGGAGGGCCAGCTGCTGTGCAAGGGTGACTACGAGAAGGAGAAGGACCTGCTCAGCTCCG[T>C]GAGCCCCGACGAGTCCGACTCCGGTGAGGCCTGGCCTGAGCTGGGGGCAGGCCTCAGGGA-3'
Protein context (NP_001167618.1, residues 169-189): YEKEKDLLSS[Val179Ala]SPDESDSVKS

ClinVar aggregate classification (germline): Uncertain significance (1 of 4 stars; one submission).

Submission:

Dasa
Classification: Uncertain significance. Last evaluated: 2025-02-24. Review status: criteria provided, single submitter. Criteria: DASA Assertion Criteria. Collection method: clinical testing. Allele origin: germline.
Comment: NM_001174147.2(LMX1B):c.536T>C (p.Val179Ala) is a missense variant that results in the substitution of valine with alanine. This variant is absent from population databases. Computational prediction algorithms are consistent with a benign effect. The currently available literature and clinical evidence are not sufficient to establish a definitive association between this variant and the reported condition. Therefore, this variant is classified as a variant of uncertain significance.